The following is an entry in ClinVar:

NM_003106.4(SOX2):c.254C>T (p.Thr85Met)

Genes: SOX2 (SRY-box transcription factor 2; plus strand), SOX2-OT (SOX2 overlapping transcript; plus strand), LOC108281177 (SOX2 5' regulatory region; plus strand). Cytogenetic location: 3q26.33.
Variant type: single nucleotide variant.
Coding change: c.254C>T on transcript NM_003106.4 (MANE Select); coding-DNA position 254, C replaced by T.
Protein change: p.Thr85Met; replaces threonine 85 with methionine.
Molecular consequence: missense variant.
Genome position (GRCh38, 1-based): chr3:181,712,614, C>T. VCF-style: chr3-181712614-C-T. GRCh37 (hg19) VCF-style: chr3-181430402-C-T.
Other names: c.254C>T (NM_003106.3); short protein forms T85M.
Identifiers: ClinVar variation 1300618 (VCV001300618.6), dbSNP rs1007978252, ClinGen allele CA89241874.
Genomic context (GRCh38, chr3:181,712,614, plus strand): 5'-AGATGCACAACTCGGAGATCAGCAAGCGCCTGGGCGCCGAGTGGAAACTTTTGTCGGAGA[C>T]GGAGAAGCGGCCGTTCATCGACGAGGCTAAGCGGCTGCGAGCGCTGCACATGAAGGAGCA-3'
Protein context (NP_003097.1, residues 75-95): LGAEWKLLSE[Thr85Met]EKRPFIDEAK

ClinVar aggregate classification (germline): Conflicting classifications of pathogenicity. Review status: criteria provided, conflicting classifications (1 of 4 stars). 3 submissions from 3 submitters: Uncertain significance (2); Likely benign (1). Last evaluated 2025-05-14.

Conditions:
Inborn genetic diseases. Identifiers: MedGen C0950123, MeSH D030342.
Anophthalmia/microphthalmia-esophageal atresia syndrome (MCOPS3). Also called: AEG SYNDROME; SOX2 Disorder; MICROPHTHALMIA AND ESOPHAGEAL ATRESIA SYNDROME. Identifiers: Orphanet 77298, MedGen C1859773, MONDO:0008799, OMIM 206900.

Allele frequency attached by ClinVar (database versions not stated): gnomAD exomes below 0.00001 and 0.00001; gnomAD 0.00001; TOPMed 0.00001.
gnomAD v4.1: 14 of 1,614,058 alleles (0.00087%); highest among the groups gnomAD compares: South Asian, 0.0055%; no homozygotes.

Submissions (3):

Ambry Genetics
Classification: Uncertain significance for Inborn genetic diseases. Last evaluated: 2025-05-14. Review status: criteria provided, single submitter. Criteria: Ambry Variant Classification Scheme 2023. Collection method: clinical testing. Allele origin: germline.

Labcorp Genetics (formerly Invitae), Labcorp
Classification: Uncertain significance for Anophthalmia/microphthalmia-esophageal atresia syndrome. Last evaluated: 2024-02-13. Review status: criteria provided, single submitter. Criteria: Invitae Variant Classification Sherloc (09022015). Collection method: clinical testing. Allele origin: germline.
Comment: This sequence change replaces threonine, which is neutral and polar, with methionine, which is neutral and non-polar, at codon 85 of the SOX2 protein (p.Thr85Met). This variant is present in population databases (no rsID available, gnomAD 0.003%). This variant has not been reported in the literature in individuals affected with SOX2-related conditions. ClinVar contains an entry for this variant (Variation ID: 1300618). Advanced modeling of protein sequence and biophysical properties (such as structural, functional, and spatial information, amino acid conservation, physicochemical variation, residue mobility, and thermodynamic stability) performed at Invitae indicates that this missense variant is not expected to disrupt SOX2 protein function with a negative predictive value of 80%. In summary, the available evidence is currently insufficient to determine the role of this variant in disease. Therefore, it has been classified as a Variant of Uncertain Significance.

GeneDx
Classification: Likely benign. Last evaluated: 2021-11-29. Review status: criteria provided, single submitter. Criteria: GeneDx Variant Classification Process June 2021. Collection method: clinical testing. Allele origin: germline. Affected: yes.
Comment: In silico analysis, which includes splice predictors and evolutionary conservation, supports that this variant does not alter protein structure/function; Has not been previously published as pathogenic or benign to our knowledge